The following is an entry in ClinVar:

NM_000059.4(BRCA2):c.2035_2036del (p.Asn679fs)

Gene: BRCA2 (BRCA2 DNA repair associated; plus strand). Cytogenetic location: 13q13.1.
Variant type: Deletion.
Coding change: c.2035_2036del on transcript NM_000059.4 (MANE Select); coding-DNA positions 2035 to 2036, 2 bases deleted (AA; older notation c.2035_2036delAA).
Protein change: p.Asn679fs; shifts the reading frame from asparagine 679.
Molecular consequence: frameshift variant. On other transcripts: non-coding transcript variant (1), intron variant (2).
Genome position (GRCh38, 1-based): chr13:32,336,390-32,336,391, AA deleted. VCF-style (leftmost placement, unchanged base first): chr13-32336389-TAA-T. GRCh37 (hg19) VCF-style: chr13-32910526-TAA-T.
Other names: c.2035_2036delAA, p.Asn679Tyrfs (NM_000059.3); c.2035_2036del, p.Asn679fs (NM_001406719.1, NM_001406720.1, NM_001432077.1); c.1909+3003_1909+3004del (NM_001406721.1); c.424+5360_424+5361del (NM_001406722.1); short protein forms N679fs.
Identifiers: ClinVar variation 3572345 (VCV003572345.1).
Genomic context (GRCh38, chr13:32,336,389, plus strand): 5'-CTTAACTAGCTCTTTTGGGACAATTCTGAGGAAATGTTCTAGAAATGAAACATGTTCTAA[TAA>T]TACAGTAATCTCTCAGGATCTTGATTATAAAGAAGCAAAATGTAATAAGGAAAAACTACA-3'

ClinVar aggregate classification (germline): Likely pathogenic (1 of 4 stars; one submission).

Submission:

Quest Diagnostics Nichols Institute San Juan Capistrano
Classification: Likely pathogenic. Last evaluated: 2024-04-29. Review status: criteria provided, single submitter. Criteria: Quest Diagnostics criteria. Collection method: clinical testing. Allele origin: unknown.
Comment: The BRCA2 c.2035_2036del (p.Asn679Tyrfs*8) variant alters the translational reading frame of the BRCA2 mRNA and is predicted to cause the premature termination of BRCA2 protein synthesis. This variant has not been reported in individuals with BRCA2-related conditions in the published literature. This variant has not been reported in large, multi-ethnic general populations (Genome Aggregation Database). Based on the available information, this variant is classified as likely pathogenic.